The following is an entry in ClinVar:

NM_007118.4(TRIO):c.7432C>T (p.Pro2478Ser)

Gene: TRIO (trio Rho guanine nucleotide exchange factor; plus strand). Cytogenetic location: 5p15.2.
Variant type: single nucleotide variant.
Coding change: c.7432C>T on transcript NM_007118.4 (MANE Select); coding-DNA position 7432, C replaced by T.
Protein change: p.Pro2478Ser; replaces proline 2478 with serine.
Molecular consequence: missense variant.
Genome position (GRCh38, 1-based): chr5:14,488,060, C>T. VCF-style: chr5-14488060-C-T. GRCh37 (hg19) VCF-style: chr5-14488169-C-T.
Other names: short protein forms P2478S.
Identifiers: ClinVar variation 2003715 (VCV002003715.4), dbSNP rs1315149477, ClinGen allele CA359237449.

ClinVar aggregate classification (germline): Uncertain significance (1 of 4 stars; one submission).

gnomAD v4.1: 2 of 1,610,012 alleles (0.00012%); highest among the groups gnomAD compares: Non-Finnish European, 0.00017%; no homozygotes.

Submission:

Labcorp Genetics (formerly Invitae), Labcorp
Classification: Uncertain significance. Last evaluated: 2022-09-16. Review status: criteria provided, single submitter. Criteria: Invitae Variant Classification Sherloc (09022015). Collection method: clinical testing. Allele origin: germline.
Comment: This sequence change replaces proline, which is neutral and non-polar, with serine, which is neutral and polar, at codon 2478 of the TRIO protein (p.Pro2478Ser). In summary, the available evidence is currently insufficient to determine the role of this variant in disease. Therefore, it has been classified as a Variant of Uncertain Significance. Advanced modeling of protein sequence and biophysical properties (such as structural, functional, and spatial information, amino acid conservation, physicochemical variation, residue mobility, and thermodynamic stability) performed at Invitae indicates that this missense variant is not expected to disrupt TRIO protein function. This variant has not been reported in the literature in individuals affected with TRIO-related conditions. This variant is not present in population databases (gnomAD no frequency).